The following is an entry in ClinVar:

NM_019594.4(LRRC8A):c.2023G>A (p.Glu675Lys)

Gene: LRRC8A (leucine rich repeat containing 8 VRAC subunit A; plus strand). Cytogenetic location: 9q34.11.
Variant type: single nucleotide variant.
Coding change: c.2023G>A on transcript NM_019594.4 (MANE Select); coding-DNA position 2023, G replaced by A.
Protein change: p.Glu675Lys; replaces glutamic acid 675 with lysine.
Molecular consequence: missense variant.
Genome position (GRCh38, 1-based): chr9:128,909,187, G>A. VCF-style: chr9-128909187-G-A. GRCh37 (hg19) VCF-style: chr9-131671466-G-A.
Other names: c.2023G>A, p.Glu675Lys (NM_001127244.2, NM_001127245.2); c.2023G>A (NM_001127244.1); short protein forms E675K.
Identifiers: ClinVar variation 1522476 (VCV001522476.9), dbSNP rs754020074, ClinGen allele CA5270977.

ClinVar aggregate classification (germline): Uncertain significance. Review status: criteria provided, multiple submitters, no conflicts (2 of 4 stars). 2 submissions from 2 submitters: Uncertain significance (2). Last evaluated 2025-05-11.

Allele frequency attached by ClinVar (database versions not stated): gnomAD exomes below 0.00001; gnomAD 0.00001; ExAC 0.00002; TOPMed 0.00002.
gnomAD v4.1: 19 of 1,613,988 alleles (0.0012%); highest among the groups gnomAD compares: East Asian, 0.0045%; no homozygotes.

Submissions (2):

Labcorp Genetics (formerly Invitae), Labcorp
Classification: Uncertain significance. Last evaluated: 2025-05-11. Review status: criteria provided, single submitter. Criteria: Invitae Variant Classification Sherloc (09022015). Collection method: clinical testing. Allele origin: germline.
Comment: This sequence change replaces glutamic acid, which is acidic and polar, with lysine, which is basic and polar, at codon 675 of the LRRC8A protein (p.Glu675Lys). This variant is present in population databases (rs754020074, gnomAD 0.005%). This variant has not been reported in the literature in individuals affected with LRRC8A-related conditions. ClinVar contains an entry for this variant (Variation ID: 1522476). An algorithm developed to predict the effect of missense changes on protein structure and function (PolyPhen-2) suggests that this variant is likely to be disruptive. In summary, the available evidence is currently insufficient to determine the role of this variant in disease. Therefore, it has been classified as a Variant of Uncertain Significance.

Ambry Genetics
Classification: Uncertain significance. Last evaluated: 2025-05-06. Review status: criteria provided, single submitter. Criteria: Ambry Variant Classification Scheme 2023. Collection method: clinical testing. Allele origin: germline.